The following is an entry in ClinVar:

ClinVar aggregate classification (germline): Uncertain significance (1 of 4 stars; one submission).

Allele frequency attached by ClinVar (database versions not stated): ExAC 0.00001; TOPMed 0.00003.
gnomAD v4.1: 8 of 1,614,176 alleles (0.0005%); highest among the groups gnomAD compares: South Asian, 0.0033%; no homozygotes.

Submission:

Labcorp Genetics (formerly Invitae), Labcorp
Classification: Uncertain significance. Last evaluated: 2024-12-03. Review status: criteria provided, single submitter. Criteria: Invitae Variant Classification Sherloc (09022015). Collection method: clinical testing. Allele origin: germline.
Comment: This sequence change replaces arginine, which is basic and polar, with histidine, which is basic and polar, at codon 942 of the RAB3GAP1 protein (p.Arg942His). This variant is present in population databases (rs761418983, gnomAD 0.006%). This variant has not been reported in the literature in individuals affected with RAB3GAP1-related conditions. ClinVar contains an entry for this variant (Variation ID: 2203096). Invitae Evidence Modeling of protein sequence and biophysical properties (such as structural, functional, and spatial information, amino acid conservation, physicochemical variation, residue mobility, and thermodynamic stability) indicates that this missense variant is expected to disrupt RAB3GAP1 protein function with a positive predictive value of 80%. In summary, the available evidence is currently insufficient to determine the role of this variant in disease. Therefore, it has been classified as a Variant of Uncertain Significance.

NM_012233.3(RAB3GAP1):c.2825G>A (p.Arg942His)

Gene: RAB3GAP1 (RAB3 GTPase activating protein catalytic subunit 1; plus strand). Cytogenetic location: 2q21.3.
Variant type: single nucleotide variant.
Coding change: c.2825G>A on transcript NM_012233.3 (MANE Select); coding-DNA position 2825, G replaced by A.
Protein change: p.Arg942His; replaces arginine 942 with histidine.
Molecular consequence: missense variant.
Genome position (GRCh38, 1-based): chr2:135,168,660, G>A. VCF-style: chr2-135168660-G-A. GRCh37 (hg19) VCF-style: chr2-135926230-G-A.
Other names: c.2846G>A, p.Arg949His (NM_001172435.2); short protein forms R942H, R949H.
Identifiers: ClinVar variation 2203096 (VCV002203096.4), dbSNP rs761418983, ClinGen allele CA1885207.